The following is an entry in ClinVar:

ClinVar aggregate classification (germline): Uncertain significance (1 of 4 stars; one submission).

gnomAD v4.1: 4 of 1,613,960 alleles (0.00025%); highest among the groups gnomAD compares: Non-Finnish European, 0.00034%; no homozygotes.

Submission:

Labcorp Genetics (formerly Invitae), Labcorp
Classification: Uncertain significance. Last evaluated: 2024-12-11. Review status: criteria provided, single submitter. Criteria: Invitae Variant Classification Sherloc (09022015). Collection method: clinical testing. Allele origin: germline.
Comment: This sequence change replaces arginine, which is basic and polar, with cysteine, which is neutral and slightly polar, at codon 408 of the MAP3K8 protein (p.Arg408Cys). This variant is not present in population databases (gnomAD no frequency). This variant has not been reported in the literature in individuals affected with MAP3K8-related conditions. An algorithm developed to predict the effect of missense changes on protein structure and function (PolyPhen-2) suggests that this variant is likely to be tolerated. In summary, the available evidence is currently insufficient to determine the role of this variant in disease. Therefore, it has been classified as a Variant of Uncertain Significance.

NM_005204.4(MAP3K8):c.1222C>T (p.Arg408Cys)

Gene: MAP3K8 (mitogen-activated protein kinase kinase kinase 8; plus strand). Cytogenetic location: 10p11.23.
Variant type: single nucleotide variant.
Coding change: c.1222C>T on transcript NM_005204.4 (MANE Select); coding-DNA position 1222, C replaced by T.
Protein change: p.Arg408Cys; replaces arginine 408 with cysteine.
Molecular consequence: missense variant.
Genome position (GRCh38, 1-based): chr10:30,459,450, C>T. VCF-style: chr10-30459450-C-T. GRCh37 (hg19) VCF-style: chr10-30748379-C-T.
Other names: c.1222C>T, p.Arg408Cys (NM_001244134.1, NM_001320961.2); short protein forms R408C.
Identifiers: ClinVar variation 3675894 (VCV003675894.2).